The following is an entry in ClinVar:

ClinVar aggregate classification (germline): Uncertain significance (1 of 4 stars; one submission).

Conditions:
Familial adenomatous polyposis 1 (FAP1). Also called: FAMILIAL ADENOMATOUS POLYPOSIS 1, ATTENUATED; POLYPOSIS, ADENOMATOUS INTESTINAL. Identifiers: MedGen C2713442, MONDO:0021056, OMIM 175100. Disease mechanism: loss of function.

Submission:

Labcorp Genetics (formerly Invitae), Labcorp
Classification: Uncertain significance for Familial adenomatous polyposis 1. Last evaluated: 2022-03-14. Review status: criteria provided, single submitter. Criteria: Invitae Variant Classification Sherloc (09022015). Collection method: clinical testing. Allele origin: germline.
Comment: This sequence change replaces glycine, which is neutral and non-polar, with valine, which is neutral and non-polar, at codon 1767 of the APC protein (p.Gly1767Val). In summary, the available evidence is currently insufficient to determine the role of this variant in disease. Therefore, it has been classified as a Variant of Uncertain Significance. Algorithms developed to predict the effect of missense changes on protein structure and function (SIFT, PolyPhen-2, Align-GVGD) all suggest that this variant is likely to be tolerated. This variant has not been reported in the literature in individuals affected with APC-related conditions. This variant is not present in population databases (gnomAD no frequency).

NM_000038.6(APC):c.5300G>T (p.Gly1767Val)

Gene: APC (APC regulator of Wnt signaling pathway; plus strand). Cytogenetic location: 5q22.2.
Variant type: single nucleotide variant.
Coding change: c.5300G>T on transcript NM_000038.6 (MANE Select); coding-DNA position 5300, G replaced by T.
Protein change: p.Gly1767Val; replaces glycine 1767 with valine.
Molecular consequence: missense variant.
Genome position (GRCh38, 1-based): chr5:112,840,894, G>T. VCF-style: chr5-112840894-G-T. GRCh37 (hg19) VCF-style: chr5-112176591-G-T.
Other names: c.5300G>T, p.Gly1767Val (NM_001127510.3, NM_001354895.2, NM_001407450.1); c.5246G>T, p.Gly1749Val (NM_001127511.3); c.5354G>T, p.Gly1785Val (NM_001354896.2, NM_001407447.1, NM_001407448.1 and 1 more transcripts); c.5330G>T, p.Gly1777Val (NM_001354897.2); c.5225G>T, p.Gly1742Val (NM_001354898.2); c.5216G>T, p.Gly1739Val (NM_001354899.2); c.5177G>T, p.Gly1726Val (NM_001354900.2); c.5123G>T, p.Gly1708Val (NM_001354901.2, NM_001407453.1); and 11 more; short protein forms G1484V, G1638V, G1684V, G1742V, G1726V, G1739V, G1749V, G1757V.
Identifiers: ClinVar variation 2112046 (VCV002112046.4), dbSNP rs1064796537, ClinGen allele CA16032920.